The following is an entry in ClinVar:

NM_033026.6(PCLO):c.11119G>A (p.Gly3707Ser)

Gene: PCLO (piccolo presynaptic cytomatrix protein; minus strand). Cytogenetic location: 7q21.11.
Variant type: single nucleotide variant.
Coding change: c.11119G>A on transcript NM_033026.6 (MANE Select); coding-DNA position 11119, G replaced by A.
Protein change: p.Gly3707Ser; replaces glycine 3707 with serine.
Molecular consequence: missense variant.
Genome position (GRCh38, 1-based): chr7:82,916,867, C>T on the plus strand (G>A on the coding strand, the complement: PCLO is on the minus strand). VCF-style: chr7-82916867-C-T. GRCh37 (hg19) VCF-style: chr7-82546183-C-T.
Other names: c.11119G>A, p.Gly3707Ser (NM_014510.3); short protein forms G3707S.
Identifiers: ClinVar variation 1438648 (VCV001438648.5), dbSNP rs200496164, ClinGen allele CA4319603.

ClinVar aggregate classification (germline): Uncertain significance (1 of 4 stars; one submission).

Allele frequency attached by ClinVar (database versions not stated): ExAC 0.00001; gnomAD exomes 0.00001; TOPMed 0.00002; gnomAD 0.00003.
gnomAD v4.1: 18 of 1,609,684 alleles (0.0011%); highest among the groups gnomAD compares: Non-Finnish European, 0.0015%; no homozygotes.

Submission:

Labcorp Genetics (formerly Invitae), Labcorp
Classification: Uncertain significance. Last evaluated: 2021-09-01. Review status: criteria provided, single submitter. Criteria: Invitae Variant Classification Sherloc (09022015). Collection method: clinical testing. Allele origin: germline.
Comment: This sequence change replaces glycine with serine at codon 3707 of the PCLO protein (p.Gly3707Ser). The glycine residue is moderately conserved and there is a small physicochemical difference between glycine and serine. This variant is present in population databases (rs200496164, ExAC 0.002%). This variant has not been reported in the literature in individuals affected with PCLO-related conditions. Algorithms developed to predict the effect of missense changes on protein structure and function output the following: SIFT: "Tolerated"; PolyPhen-2: "Not Available"; Align-GVGD: "Class C0". The serine amino acid residue is found in multiple mammalian species, which suggests that this missense change does not adversely affect protein function. In summary, the available evidence is currently insufficient to determine the role of this variant in disease. Therefore, it has been classified as a Variant of Uncertain Significance.